The following is an entry in ClinVar:

ClinVar aggregate classification (germline): Likely benign (1 of 4 stars; one submission).

Submission:

CeGaT Center for Human Genetics Tuebingen
Classification: Likely benign. Last evaluated: 2025-06-01. Review status: criteria provided, single submitter. Criteria: CeGaT Center For Human Genetics Tuebingen Variant Classification Criteria Version 2. Collection method: clinical testing. Allele origin: germline. Affected: yes. Observed: 1 variant allele.
Comment: SHANK3: BP4, BP7

NM_001372044.2(SHANK3):c.2100C>T (p.Arg700=)

Genes: SHANK3 (SH3 and multiple ankyrin repeat domains 3; plus strand), LOC126863188 (CDK7 strongly-dependent group 2 enhancer GRCh37_chr22:51142004-51143203; plus strand). Cytogenetic location: 22q13.33.
Variant type: single nucleotide variant.
Coding change: c.2100C>T on transcript NM_001372044.2 (MANE Select); coding-DNA position 2100, C replaced by T.
Protein change: p.Arg700=; no amino-acid change (arginine 700 retained).
Molecular consequence: synonymous variant.
Genome position (GRCh38, 1-based): chr22:50,704,841, C>T. VCF-style: chr22-50704841-C-T. GRCh37 (hg19) VCF-style: chr22-51143269-C-T.
Identifiers: ClinVar variation 3906056 (VCV003906056.10).